The following is an entry in ClinVar:

NM_015693.4(INTU):c.1800G>A (p.Met600Ile)

Gene: INTU (inturned planar cell polarity protein; plus strand). Cytogenetic location: 4q28.1.
Variant type: single nucleotide variant.
Coding change: c.1800G>A on transcript NM_015693.4 (MANE Select); coding-DNA position 1800, G replaced by A.
Protein change: p.Met600Ile; replaces methionine 600 with isoleucine.
Molecular consequence: missense variant.
Genome position (GRCh38, 1-based): chr4:127,706,498, G>A. VCF-style: chr4-127706498-G-A. GRCh37 (hg19) VCF-style: chr4-128627653-G-A.
Other names: short protein forms M600I.
Identifiers: ClinVar variation 1507863 (VCV001507863.6), dbSNP rs2148732139, ClinGen allele CA358136831.

ClinVar aggregate classification (germline): Uncertain significance (1 of 4 stars; one submission).

Submission:

Labcorp Genetics (formerly Invitae), Labcorp
Classification: Uncertain significance. Last evaluated: 2022-07-18. Review status: criteria provided, single submitter. Criteria: Invitae Variant Classification Sherloc (09022015). Collection method: clinical testing. Allele origin: germline.
Comment: Algorithms developed to predict the effect of missense changes on protein structure and function (SIFT, PolyPhen-2, Align-GVGD) all suggest that this variant is likely to be tolerated. In summary, the available evidence is currently insufficient to determine the role of this variant in disease. Therefore, it has been classified as a Variant of Uncertain Significance. ClinVar contains an entry for this variant (Variation ID: 1507863). This variant has not been reported in the literature in individuals affected with INTU-related conditions. This variant is not present in population databases (gnomAD no frequency). This sequence change replaces methionine, which is neutral and non-polar, with isoleucine, which is neutral and non-polar, at codon 600 of the INTU protein (p.Met600Ile).